The following is an entry in ClinVar:

ClinVar aggregate classification (germline): Likely benign (0 of 4 stars; one submission).

Conditions:
MKRN3-related disorder. Also called: MKRN3-related condition.

Allele frequency attached by ClinVar (database versions not stated): ExAC 0.00013; gnomAD 0.00021; TOPMed 0.00025; ESP Exome Variant Server 0.00046.

Submission:

PreventionGenetics, part of Exact Sciences
Classification: Likely benign for MKRN3-related condition. Last evaluated: 2019-02-20. Review status: no assertion criteria provided. Collection method: clinical testing. Allele origin: germline.
Comment: This variant is classified as likely benign based on ACMG/AMP sequence variant interpretation guidelines (Richards et al. 2015 PMID: 25741868, with internal and published modifications).

NM_005664.4(MKRN3):c.798C>T (p.Cys266=)

Gene: MKRN3 (makorin ring finger protein 3; plus strand). Cytogenetic location: 15q11.2.
Variant type: single nucleotide variant.
Coding change: c.798C>T on transcript NM_005664.4 (MANE Select); coding-DNA position 798, C replaced by T.
Protein change: p.Cys266=; no amino-acid change (cysteine 266 retained).
Molecular consequence: synonymous variant.
Genome position (GRCh38, 1-based): chr15:23,566,580, C>T. VCF-style: chr15-23566580-C-T. GRCh37 (hg19) VCF-style: chr15-23811727-C-T.
Identifiers: ClinVar variation 3050081 (VCV003050081.2), dbSNP rs145255803, ClinGen allele CA7429469.